The following is an entry in ClinVar:

NM_017852.5(NLRP2):c.1209C>T (p.Ile403=)

Gene: NLRP2 (NLR family pyrin domain containing 2; plus strand). Cytogenetic location: 19q13.42.
Variant type: single nucleotide variant.
Coding change: c.1209C>T on transcript NM_017852.5 (MANE Select); coding-DNA position 1209, C replaced by T.
Protein change: p.Ile403=; no amino-acid change (isoleucine 403 retained).
Molecular consequence: synonymous variant. On other transcripts: non-coding transcript variant (1).
Genome position (GRCh38, 1-based): chr19:54,982,907, C>T. VCF-style: chr19-54982907-C-T. GRCh37 (hg19) VCF-style: chr19-55494275-C-T.
Other names: c.1209C>T (NM_001174081.2); c.1209C>T, p.Ile403= (NM_001174081.3); c.1143C>T, p.Ile381= (NM_001174082.3); c.1140C>T, p.Ile380= (NM_001174083.2); c.1200C>T, p.Ile400= (NM_001348003.2).
Identifiers: ClinVar variation 103049 (VCV000103049.5), dbSNP rs199475715, ClinGen allele CA230023.

ClinVar aggregate classification (germline): Likely benign. Review status: criteria provided, single submitter (1 of 4 stars). 3 submissions from 3 submitters: Likely benign (1). 2 of the submissions do not count toward it. Last evaluated 2024-11-20.

Conditions:
NLRP2-related disorder. Also called: NLRP2-related condition.

Allele frequency attached by ClinVar (database versions not stated): gnomAD exomes 0.00026; ExAC 0.00044; gnomAD 0.00071 and 0.00074; 1000 Genomes Project 30x 0.00156.
gnomAD v4.1: 457 of 1,612,114 alleles (0.028%); highest among the groups gnomAD compares: Middle Eastern, 0.15%; no homozygotes.

Submissions (3):

Blueprint Genetics
Classification: Likely benign. Last evaluated: 2024-11-20. Review status: criteria provided, single submitter. Criteria: ACMG Guidelines, 2015. Collection method: clinical testing. Allele origin: germline.

PreventionGenetics, part of Exact Sciences
Classification: Likely benign for NLRP2-related condition. Last evaluated: 2019-03-12. Review status: no assertion criteria provided. Collection method: clinical testing. Allele origin: germline. Not counted in ClinVar's aggregate classification.
Comment: This variant is classified as likely benign based on ACMG/AMP sequence variant interpretation guidelines (Richards et al. 2015 PMID: 25741868, with internal and published modifications).

Human Evolutionary Genetics, Institut Pasteur
No classification provided. Review status: no classification provided. Collection method: not provided. Allele origin: germline. Not counted in ClinVar's aggregate classification.
ClinVar note: Converted during submission from untested to not provided.